The following is an entry in ClinVar:

NM_004698.4(PRPF3):c.1151T>C (p.Ile384Thr)

Gene: PRPF3 (pre-mRNA processing factor 3; plus strand). Cytogenetic location: 1q21.2.
Variant type: single nucleotide variant.
Coding change: c.1151T>C on transcript NM_004698.4 (MANE Select); coding-DNA position 1151, T replaced by C.
Protein change: p.Ile384Thr; replaces isoleucine 384 with threonine.
Molecular consequence: missense variant. On other transcripts: non-coding transcript variant (4).
Genome position (GRCh38, 1-based): chr1:150,338,275, T>C. VCF-style: chr1-150338275-T-C. GRCh37 (hg19) VCF-style: chr1-150310751-T-C.
Other names: c.746T>C, p.Ile249Thr (NM_001350529.1); short protein forms I249T, I384T.
Identifiers: ClinVar variation 866704 (VCV000866704.4), dbSNP rs1657267180, ClinGen allele CA342297048.

ClinVar aggregate classification (germline): Uncertain significance. Review status: criteria provided, multiple submitters, no conflicts (2 of 4 stars). 2 submissions from 2 submitters: Uncertain significance (2). Last evaluated 2025-04-16.

Submissions (2):

Labcorp Genetics (formerly Invitae), Labcorp
Classification: Uncertain significance. Last evaluated: 2025-04-16. Review status: criteria provided, single submitter. Criteria: Invitae Variant Classification Sherloc (09022015). Collection method: clinical testing. Allele origin: germline.
Comment: This sequence change replaces isoleucine, which is neutral and non-polar, with threonine, which is neutral and polar, at codon 384 of the PRPF3 protein (p.Ile384Thr). This variant is not present in population databases (gnomAD no frequency). This variant has not been reported in the literature in individuals affected with PRPF3-related conditions. ClinVar contains an entry for this variant (Variation ID: 866704). Invitae Evidence Modeling of protein sequence and biophysical properties (such as structural, functional, and spatial information, amino acid conservation, physicochemical variation, residue mobility, and thermodynamic stability) indicates that this missense variant is not expected to disrupt PRPF3 protein function with a negative predictive value of 95%. In summary, the available evidence is currently insufficient to determine the role of this variant in disease. Therefore, it has been classified as a Variant of Uncertain Significance.

Blueprint Genetics
Classification: Uncertain significance. Last evaluated: 2017-06-12. Review status: criteria provided, single submitter. Criteria: ACMG Guidelines, 2015. Collection method: clinical testing. Allele origin: germline.